The following is an entry in ClinVar:

ClinVar aggregate classification (germline): Uncertain significance. Review status: criteria provided, multiple submitters, no conflicts (2 of 4 stars). 3 submissions from 3 submitters: Uncertain significance (3). Last evaluated 2025-07-02.

Allele frequency attached by ClinVar (database versions not stated): gnomAD 0.00002; gnomAD exomes 0.00002; TOPMed 0.00002; ExAC 0.00003.

Submissions (3):

Labcorp Genetics (formerly Invitae), Labcorp
Classification: Uncertain significance. Last evaluated: 2025-07-02. Review status: criteria provided, single submitter. Criteria: Invitae Variant Classification Sherloc (09022015). Collection method: clinical testing. Allele origin: germline.
Comment: This sequence change replaces methionine, which is neutral and non-polar, with threonine, which is neutral and polar, at codon 17 of the MS4A1 protein (p.Met17Thr). This variant is present in population databases (rs201491900, gnomAD 0.005%). This variant has not been reported in the literature in individuals affected with MS4A1-related conditions. ClinVar contains an entry for this variant (Variation ID: 502136). An algorithm developed to predict the effect of missense changes on protein structure and function outputs the following: PolyPhen-2: "Benign". The threonine amino acid residue is found in multiple mammalian species, which suggests that this missense change does not adversely affect protein function. In summary, the available evidence is currently insufficient to determine the role of this variant in disease. Therefore, it has been classified as a Variant of Uncertain Significance.

Ambry Genetics
Classification: Uncertain significance. Last evaluated: 2023-09-20. Review status: criteria provided, single submitter. Criteria: Ambry Variant Classification Scheme 2023. Collection method: clinical testing. Allele origin: germline.

Eurofins Ntd Llc (ga)
Classification: Uncertain significance. Last evaluated: 2017-05-28. Review status: criteria provided, single submitter. Criteria: EGL Classification Definitions 2015. Collection method: clinical testing. Allele origin: germline. Observed: 1 variant allele, 1 heterozygote.

NM_152866.3(MS4A1):c.50T>C (p.Met17Thr)

Gene: MS4A1 (membrane spanning 4-domains A1; plus strand). Cytogenetic location: 11q12.2.
Variant type: single nucleotide variant.
Coding change: c.50T>C on transcript NM_152866.3 (MANE Select); coding-DNA position 50, T replaced by C.
Protein change: p.Met17Thr; replaces methionine 17 with threonine.
Molecular consequence: missense variant.
Genome position (GRCh38, 1-based): chr11:60,462,424, T>C. VCF-style: chr11-60462424-T-C. GRCh37 (hg19) VCF-style: chr11-60229897-T-C.
Other names: c.50T>C, p.Met17Thr (NM_021950.4, NM_152867.2); c.50T>C (NM_152866.2); short protein forms M17T.
Identifiers: ClinVar variation 502136 (VCV000502136.9), dbSNP rs201491900, ClinGen allele CA6024856.